The following is an entry in ClinVar:

NM_000095.3(COMP):c.1315G>A (p.Asp439Asn)

Gene: COMP (cartilage oligomeric matrix protein; minus strand). Cytogenetic location: 19p13.11.
Variant type: single nucleotide variant.
Coding change: c.1315G>A on transcript NM_000095.3 (MANE Select); coding-DNA position 1315, G replaced by A.
Protein change: p.Asp439Asn; replaces aspartic acid 439 with asparagine.
Molecular consequence: missense variant.
Genome position (GRCh38, 1-based): chr19:18,786,139, C>T on the plus strand (G>A on the coding strand, the complement: COMP is on the minus strand). VCF-style: chr19-18786139-C-T. GRCh37 (hg19) VCF-style: chr19-18896949-C-T.
Other names: short protein forms D439N.
Identifiers: ClinVar variation 692028 (VCV000692028.1), dbSNP rs1601054002, ClinGen allele CA404885325.
Genomic context (GRCh38, chr19:18,786,139, plus strand): 5'-AGTCCTCCTGGGCACTGTTAGGCACCGTGGGACAGTTGTCCCGAGAGTCCTGATGTCCGT[C>T]TCCATCCCTAGAGTGGATAGGTGGGATCCAGAGACAATGAGCTCTCCAGAGCGTTTTGTC-3'
Protein context (NP_000086.2, residues 429-449): ACDSDQDQDG[Asp439Asn]GHQDSRDNCP

ClinVar aggregate classification (germline): Likely pathogenic (1 of 4 stars; one submission).

Conditions:
Multiple epiphyseal dysplasia type 1. Also called: COMP-Related Multiple Epiphyseal Dysplasia. Identifiers: Orphanet 93308, MedGen C1838280, MONDO:0007561, OMIM 132400.

Submission:

Rady Children's Institute for Genomic Medicine, Rady Children's Hospital San Diego
Classification: Likely pathogenic for EPIPHYSEAL DYSPLASIA, MULTIPLE, 1. Last evaluated: 2018-05-05. Review status: criteria provided, single submitter. Criteria: ACMG Guidelines, 2015. Collection method: clinical testing. Allele origin: germline. Affected: yes. Observed: 1 variant allele.
Comment: This variant has been previously reported as a de novo heterozygous mutation in a patient with multiple epiphyseal dysplasia (PMID: 15756302). It is absent from the ExAC and gnomAD population databases and thus is presumed to be rare. The c.1315G>A p.Asp439Asn variant affects a highly conserved amino acid and is predicted by multiple in silico tools to have a deleterious effect on protein function. Based on the available evidence, the c.1315G>A p.Asp439Asn variant is classified as likely pathogenic.